The following is an entry in ClinVar:

NM_001126108.2(SLC12A3):c.2598_2599delinsTA (p.Gly867Ser)

Gene: SLC12A3 (solute carrier family 12 member 3; plus strand). Cytogenetic location: 16q13.
Variant type: Indel.
Coding change: c.2598_2599delinsTA on transcript NM_001126108.2 (MANE Select); coding-DNA positions 2598 to 2599, CG replaced by TA.
Protein change: p.Gly867Ser; replaces glycine 867 with serine.
Molecular consequence: missense variant.
Genome position (GRCh38, 1-based): chr16:56,894,607-56,894,608, CG replaced by TA. VCF-style: chr16-56894607-CG-TA. GRCh37 (hg19) VCF-style: chr16-56928519-CG-TA.
Other names: c.2625_2626delinsTA, p.Gly876Ser (NM_000339.3); c.2622_2623delinsTA, p.Gly875Ser (NM_001126107.2); c.2595_2596delinsTA, p.Gly866Ser (NM_001410896.1); short protein forms G866S, G867S, G875S, G876S.
Identifiers: ClinVar variation 2961051 (VCV002961051.3), dbSNP rs2543542620, ClinGen allele CA2740093387.

ClinVar aggregate classification (germline): Likely pathogenic (1 of 4 stars; one submission).

Submission:

Labcorp Genetics (formerly Invitae), Labcorp
Classification: Likely pathogenic. Last evaluated: 2023-09-26. Review status: criteria provided, single submitter. Criteria: Invitae Variant Classification Sherloc (09022015). Collection method: clinical testing. Allele origin: germline.
Comment: In summary, the currently available evidence indicates that the variant is pathogenic, but additional data are needed to prove that conclusively. Therefore, this variant has been classified as Likely Pathogenic. A different variant (c.2626G>A ) giving rise to the same protein effect has been determined to be pathogenic (PMID: 17654016; Invitae). This suggests that this variant is also likely to be causative of disease. Information on the frequency of this variant in the gnomAD database is not available, as this variant may be reported differently in the database. This sequence change replaces glycine, which is neutral and non-polar, with serine, which is neutral and polar, at codon 876 of the SLC12A3 protein (p.Gly876Ser).

Literature cited by the submitters: PubMed 17654016.